The following is an entry in ClinVar:

NM_004006.3(DMD):c.5599C>G (p.Gln1867Glu)

Gene: DMD (dystrophin; minus strand). Cytogenetic location: Xp21.1.
Variant type: single nucleotide variant.
Coding change: c.5599C>G on transcript NM_004006.3 (MANE Select); coding-DNA position 5599, C replaced by G.
Protein change: p.Gln1867Glu; replaces glutamine 1867 with glutamic acid.
Molecular consequence: missense variant.
Genome position (GRCh38, 1-based): chrX:32,343,274, G>C on the plus strand (C>G on the coding strand, the complement: DMD is on the minus strand). VCF-style: chrX-32343274-G-C. GRCh37 (hg19) VCF-style: chrX-32361391-G-C.
Other names: c.5575C>G, p.Gln1859Glu (NM_000109.4); c.5587C>G, p.Gln1863Glu (NM_004009.3); c.5230C>G, p.Gln1744Glu (NM_004010.3); c.1576C>G, p.Gln526Glu (NM_004011.4); c.1567C>G, p.Gln523Glu (NM_004012.4); short protein forms Q1867E, Q1744E, Q1859E, Q526E, Q1863E, Q523E.
Identifiers: ClinVar variation 501804 (VCV000501804.14), dbSNP rs144718274, ClinGen allele CA10378631.

ClinVar aggregate classification (germline): Conflicting classifications of pathogenicity. Review status: criteria provided, conflicting classifications (1 of 4 stars). 6 submissions from 6 submitters: Uncertain significance (4); Likely benign (1). 1 of the submissions does not count toward it. Last evaluated 2025-01-31.

Conditions:
Cardiovascular phenotype. Identifiers: MedGen CN230736.
Duchenne muscular dystrophy (DMD). Also called: MUSCULAR DYSTROPHY, PSEUDOHYPERTROPHIC PROGRESSIVE, DUCHENNE TYPE; Duchenne Muscular Dystrophy (DMD). Identifiers: Orphanet 98896, MedGen C0013264, MONDO:0010679, OMIM 310200.
Becker muscular dystrophy (BMD). Also called: Becker Muscular Dystrophy (BMD); MUSCULAR DYSTROPHY, PSEUDOHYPERTROPHIC PROGRESSIVE, BECKER TYPE. Identifiers: Orphanet 98895, MedGen C0917713, MONDO:0010311, OMIM 300376.
Dystrophin deficiency.
Cardiomyopathy (CMYO). Also called: Cardiomyopathies. Identifiers: Orphanet 167848, MedGen C0878544, MONDO:0004994, HP:0001638. Inheritance: Various modes of inheritance.

Allele frequency attached by ClinVar (database versions not stated): ExAC 0.00003; gnomAD exomes 0.00003 and 0.00006; TOPMed 0.00004; gnomAD 0.00006; ESP Exome Variant Server 0.00009.
gnomAD v4.1: 66 of 1,203,454 alleles (0.0055%); highest among the groups gnomAD compares: Non-Finnish European, 0.0071%; no homozygotes.

Submissions (6):

Labcorp Genetics (formerly Invitae), Labcorp
Classification: Uncertain significance for Duchenne muscular dystrophy. Last evaluated: 2025-01-31. Review status: criteria provided, single submitter. Criteria: Invitae Variant Classification Sherloc (09022015). Collection method: clinical testing. Allele origin: germline.
Comment: This sequence change replaces glutamine, which is neutral and polar, with glutamic acid, which is acidic and polar, at codon 1867 of the DMD protein (p.Gln1867Glu). This variant is present in population databases (rs144718274, gnomAD 0.004%). This variant has not been reported in the literature in individuals affected with DMD-related conditions. ClinVar contains an entry for this variant (Variation ID: 501804). Invitae Evidence Modeling of protein sequence and biophysical properties (such as structural, functional, and spatial information, amino acid conservation, physicochemical variation, residue mobility, and thermodynamic stability) indicates that this missense variant is not expected to disrupt DMD protein function with a negative predictive value of 95%. In summary, the available evidence is currently insufficient to determine the role of this variant in disease. Therefore, it has been classified as a Variant of Uncertain Significance.

Ambry Genetics
Classification: Likely benign for Cardiovascular phenotype. Last evaluated: 2024-08-29. Review status: criteria provided, single submitter. Criteria: Ambry Variant Classification Scheme 2023. Collection method: clinical testing. Allele origin: germline.

Blueprint Genetics
Classification: Uncertain significance. Last evaluated: 2022-11-29. Review status: criteria provided, single submitter. Criteria: ACMG Guidelines, 2015. Collection method: clinical testing. Allele origin: germline.

Revvity Omics, Revvity
Classification: Uncertain significance. Last evaluated: 2020-12-31. Review status: criteria provided, single submitter. Criteria: ACMG Guidelines, 2015. Collection method: clinical testing. Allele origin: germline.

Eurofins Ntd Llc (ga)
Classification: Uncertain significance. Last evaluated: 2017-05-02. Review status: criteria provided, single submitter. Criteria: EGL Classification Definitions 2015. Collection method: clinical testing. Allele origin: germline. Observed: 1 variant allele, 1 hemizygote.

Natera, Inc.
Classification: Uncertain significance for Becker muscular dystrophy; Cardiomyopathy; Duchenne muscular dystrophy; Dystrophin deficiency. Last evaluated: 2018-06-13. Review status: no assertion criteria provided. Collection method: clinical testing. Allele origin: germline. Not counted in ClinVar's aggregate classification.